The following is an entry in ClinVar:

ClinVar aggregate classification (germline): Uncertain significance (1 of 4 stars; one submission).

Conditions:
Immunodeficiency 132A. Also called: Herpes simplex encephalitis, susceptibility to, 3. Identifiers: Orphanet 1930, MedGen C3553868, MONDO:0013920, OMIM 614849.

Allele frequency attached by ClinVar (database versions not stated): gnomAD exomes below 0.00001; ExAC 0.00001; gnomAD 0.00001; TOPMed 0.00002.
gnomAD v4.1: 7 of 1,613,706 alleles (0.00043%); highest among the groups gnomAD compares: South Asian, 0.0022%; no homozygotes.

Submission:

Labcorp Genetics (formerly Invitae), Labcorp
Classification: Uncertain significance for Immunodeficiency 132A. Last evaluated: 2025-06-12. Review status: criteria provided, single submitter. Criteria: Invitae Variant Classification Sherloc (09022015). Collection method: clinical testing. Allele origin: germline.
Comment: This sequence change replaces proline, which is neutral and non-polar, with leucine, which is neutral and non-polar, at codon 185 of the TRAF3 protein (p.Pro185Leu). This variant is present in population databases (rs771768312, gnomAD 0.003%). This variant has not been reported in the literature in individuals affected with TRAF3-related conditions. ClinVar contains an entry for this variant (Variation ID: 2900206). An algorithm developed to predict the effect of missense changes on protein structure and function (PolyPhen-2) suggests that this variant is likely to be disruptive. In summary, the available evidence is currently insufficient to determine the role of this variant in disease. Therefore, it has been classified as a Variant of Uncertain Significance.

NM_145725.3(TRAF3):c.554C>T (p.Pro185Leu)

Gene: TRAF3 (TNF receptor associated factor 3; plus strand). Cytogenetic location: 14q32.32.
Variant type: single nucleotide variant.
Coding change: c.554C>T on transcript NM_145725.3 (MANE Select); coding-DNA position 554, C replaced by T.
Protein change: p.Pro185Leu; replaces proline 185 with leucine.
Molecular consequence: missense variant.
Genome position (GRCh38, 1-based): chr14:102,876,509, C>T. VCF-style: chr14-102876509-C-T. GRCh37 (hg19) VCF-style: chr14-103342846-C-T.
Other names: c.554C>T, p.Pro185Leu (NM_001199427.2, NM_001385142.1, NM_001385143.1 and 2 more transcripts); short protein forms P185L.
Identifiers: ClinVar variation 2900206 (VCV002900206.3), dbSNP rs771768312, ClinGen allele CA7359286.
Genomic context (GRCh38, chr14:102,876,509, plus strand): 5'-ACGTGGAGAAGGCGTGTAAATACCGGGAAGCCACATGCAGCCACTGCAAGAGTCAGGTTC[C>T]GATGATCGCGCTGCAGGTGCGGGTCCTCCCATTCCACAGGCCTTCCACTCAATTCCTATA-3'
Protein context (NP_663777.1, residues 175-195): ATCSHCKSQV[Pro185Leu]MIALQKHEDT